The following is an entry in ClinVar:

NM_002230.4(JUP):c.599A>G (p.Asp200Gly)

Gene: JUP (junction plakoglobin; minus strand). Cytogenetic location: 17q21.2.
Variant type: single nucleotide variant.
Coding change: c.599A>G on transcript NM_002230.4 (MANE Select); coding-DNA position 599, A replaced by G.
Protein change: p.Asp200Gly; replaces aspartic acid 200 with glycine.
Molecular consequence: missense variant.
Genome position (GRCh38, 1-based): chr17:41,769,077, T>C on the plus strand (A>G on the coding strand, the complement: JUP is on the minus strand). VCF-style: chr17-41769077-T-C. GRCh37 (hg19) VCF-style: chr17-39925329-T-C.
Other names: c.599A>G, p.Asp200Gly (NM_001352773.2, NM_001352774.2, NM_001352775.2 and 3 more transcripts); short protein forms D200G.
Identifiers: ClinVar variation 2929084 (VCV002929084.3), dbSNP rs2544181149, ClinGen allele CA399503037.

ClinVar aggregate classification (germline): Uncertain significance (1 of 4 stars; one submission).

Conditions:
Naxos disease (NXD). Also called: KERATOSIS PALMOPLANTARIS WITH ARRHYTHMOGENIC CARDIOMYOPATHY; MAL DE NAXOS; PALMOPLANTAR KERATODERMA WITH ARRHYTHMOGENIC RIGHT VENTRICULAR CARDIOMYOPATHY AND WOOLLY HAIR; WOOLLY HAIR, PALMOPLANTAR KERATODERMA, AND CARDIAC ABNORMALITIES; CARDIOMYOPATHY, ARRHYTHMOGENIC RIGHT VENTRICULAR, WITH SKIN, HAIR, AND NAIL ABNORMALITIES. Identifiers: Orphanet 34217, MedGen C1832600, MONDO:0011017, OMIM 601214.
Arrhythmogenic right ventricular dysplasia 12. Also called: ARRHYTHMOGENIC RIGHT VENTRICULAR DYSPLASIA, FAMILIAL, 12. Identifiers: MedGen C1969081, MONDO:0012684, OMIM 611528.

gnomAD v4.1: 3 of 1,613,276 alleles (0.00019%); highest among the groups gnomAD compares: Non-Finnish European, 0.00025%; no homozygotes.

Submission:

Labcorp Genetics (formerly Invitae), Labcorp
Classification: Uncertain significance for Arrhythmogenic right ventricular dysplasia 12; Naxos disease. Last evaluated: 2023-02-27. Review status: criteria provided, single submitter. Criteria: Invitae Variant Classification Sherloc (09022015). Collection method: clinical testing. Allele origin: germline.
Comment: This variant is not present in population databases (gnomAD no frequency). In summary, the available evidence is currently insufficient to determine the role of this variant in disease. Therefore, it has been classified as a Variant of Uncertain Significance. An algorithm developed to predict the effect of missense changes on protein structure and function (PolyPhen-2) suggests that this variant is likely to be tolerated. This variant has not been reported in the literature in individuals affected with JUP-related conditions. This sequence change replaces aspartic acid, which is acidic and polar, with glycine, which is neutral and non-polar, at codon 200 of the JUP protein (p.Asp200Gly).